The following is an entry in ClinVar:

ClinVar aggregate classification (germline): Uncertain significance (1 of 4 stars; one submission).

Conditions:
Neuropathy, hereditary sensory and autonomic, type 2A (HSAN2A). Also called: ACROOSTEOLYSIS, GIACCAI TYPE; ACROOSTEOLYSIS, NEUROGENIC; MORVAN DISEASE; NEUROPATHY, CONGENITAL SENSORY; NEUROPATHY, HEREDITARY SENSORY RADICULAR, AUTOSOMAL RECESSIVE; NEUROPATHY, HEREDITARY SENSORY, TYPE IIA. Identifiers: Orphanet 970, MedGen C2752089, MONDO:0024309, OMIM 201300.
Pseudohypoaldosteronism type 2C (PHA2C). Also called: Pseudohypoaldosteronism Type IIC. Identifiers: Orphanet 757, Orphanet 88940, MedGen C1840391, MONDO:0013778, OMIM 614492.

gnomAD v4.1: 1 of 1,612,076 alleles (0.000062%); highest among the groups gnomAD compares: Non-Finnish European, 0.000085%; no homozygotes.

Submission:

Labcorp Genetics (formerly Invitae), Labcorp
Classification: Uncertain significance for Neuropathy, hereditary sensory and autonomic, type 2A; Pseudohypoaldosteronism type 2C. Last evaluated: 2024-09-14. Review status: criteria provided, single submitter. Criteria: Invitae Variant Classification Sherloc (09022015). Collection method: clinical testing. Allele origin: germline.
Comment: This sequence change replaces threonine, which is neutral and polar, with isoleucine, which is neutral and non-polar, at codon 48 of the WNK1 protein (p.Thr48Ile). This variant is not present in population databases (gnomAD no frequency). This variant has not been reported in the literature in individuals affected with WNK1-related conditions. Invitae Evidence Modeling of protein sequence and biophysical properties (such as structural, functional, and spatial information, amino acid conservation, physicochemical variation, residue mobility, and thermodynamic stability) indicates that this missense variant is not expected to disrupt WNK1 protein function with a negative predictive value of 95%. In summary, the available evidence is currently insufficient to determine the role of this variant in disease. Therefore, it has been classified as a Variant of Uncertain Significance.

NM_018979.4(WNK1):c.143C>T (p.Thr48Ile)

Gene: WNK1 (WNK lysine deficient protein kinase 1; plus strand). Cytogenetic location: 12p13.33.
Variant type: single nucleotide variant.
Coding change: c.143C>T on transcript NM_018979.4 (MANE Select); coding-DNA position 143, C replaced by T.
Protein change: p.Thr48Ile; replaces threonine 48 with isoleucine.
Molecular consequence: missense variant.
Genome position (GRCh38, 1-based): chr12:753,708, C>T. VCF-style: chr12-753708-C-T. GRCh37 (hg19) VCF-style: chr12-862874-C-T.
Other names: c.143C>T, p.Thr48Ile (NM_001184985.2, NM_014823.3, NM_213655.5); short protein forms T48I.
Identifiers: ClinVar variation 3761078 (VCV003761078.2).